The following is an entry in ClinVar:

ClinVar aggregate classification (germline): Uncertain significance (1 of 4 stars; one submission).

Conditions:
Epilepsy, progressive myoclonic, 1B. Also called: PME. Identifiers: Orphanet 308, MedGen C2676254, MONDO:0012904, OMIM 612437.

Allele frequency attached by ClinVar (database versions not stated): gnomAD exomes below 0.00001 and 0.00001; ExAC 0.00001; gnomAD 0.00001; TOPMed 0.00001.
gnomAD v4.1: 6 of 1,614,036 alleles (0.00037%); highest among the groups gnomAD compares: Admixed American, 0.0083%; no homozygotes.

Submission:

Labcorp Genetics (formerly Invitae), Labcorp
Classification: Uncertain significance for Epilepsy, progressive myoclonic, 1B. Last evaluated: 2022-09-06. Review status: criteria provided, single submitter. Criteria: Invitae Variant Classification Sherloc (09022015). Collection method: clinical testing. Allele origin: germline.
Comment: This sequence change replaces serine, which is neutral and polar, with phenylalanine, which is neutral and non-polar, at codon 143 of the PRICKLE1 protein (p.Ser143Phe). This variant is present in population databases (rs758143303, gnomAD 0.006%). This variant has not been reported in the literature in individuals affected with PRICKLE1-related conditions. ClinVar contains an entry for this variant (Variation ID: 839439). Algorithms developed to predict the effect of missense changes on protein structure and function (SIFT, PolyPhen-2, Align-GVGD) all suggest that this variant is likely to be disruptive. In summary, the available evidence is currently insufficient to determine the role of this variant in disease. Therefore, it has been classified as a Variant of Uncertain Significance.

NM_153026.3(PRICKLE1):c.428C>T (p.Ser143Phe)

Gene: PRICKLE1 (prickle planar cell polarity protein 1; minus strand). Cytogenetic location: 12q12.
Variant type: single nucleotide variant.
Coding change: c.428C>T on transcript NM_153026.3 (MANE Select); coding-DNA position 428, C replaced by T.
Protein change: p.Ser143Phe; replaces serine 143 with phenylalanine.
Molecular consequence: missense variant.
Genome position (GRCh38, 1-based): chr12:42,468,786, G>A on the plus strand (C>T on the coding strand, the complement: PRICKLE1 is on the minus strand). VCF-style: chr12-42468786-G-A. GRCh37 (hg19) VCF-style: chr12-42862588-G-A.
Other names: c.428C>T, p.Ser143Phe (NM_001144881.2, NM_001144882.2, NM_001144883.2); short protein forms S143F.
Identifiers: ClinVar variation 839439 (VCV000839439.5), dbSNP rs758143303, ClinGen allele CA6519912.